The following is an entry in ClinVar:

NM_003280.3(TNNC1):c.121C>A (p.Leu41Met)

Gene: TNNC1 (troponin C1, slow skeletal and cardiac type; minus strand). Cytogenetic location: 3p21.1.
Variant type: single nucleotide variant.
Coding change: c.121C>A on transcript NM_003280.3 (MANE Select); coding-DNA position 121, C replaced by A.
Protein change: p.Leu41Met; replaces leucine 41 with methionine.
Molecular consequence: missense variant.
Genome position (GRCh38, 1-based): chr3:52,452,187, G>T on the plus strand (C>A on the coding strand, the complement: TNNC1 is on the minus strand). VCF-style: chr3-52452187-G-T. GRCh37 (hg19) VCF-style: chr3-52486203-G-T.
Other names: short protein forms L41M.
Identifiers: ClinVar variation 2002139 (VCV002002139.4), dbSNP rs2471444658, ClinGen allele CA353168914.

ClinVar aggregate classification (germline): Uncertain significance (1 of 4 stars; one submission).

Conditions:
Dilated cardiomyopathy 1Z (CMD1Z). Identifiers: Orphanet 154, MedGen C2678475, MONDO:0012745, OMIM 611879.
Hypertrophic cardiomyopathy 13. Also called: TNNC1-Related Familial Hypertrophic Cardiomyopathy. Identifiers: MedGen C2750472, MONDO:0013195, OMIM 613243.

Submission:

Labcorp Genetics (formerly Invitae), Labcorp
Classification: Uncertain significance for Hypertrophic cardiomyopathy 13; Dilated cardiomyopathy 1Z. Last evaluated: 2022-06-03. Review status: criteria provided, single submitter. Criteria: Invitae Variant Classification Sherloc (09022015). Collection method: clinical testing. Allele origin: germline.
Comment: Algorithms developed to predict the effect of missense changes on protein structure and function are either unavailable or do not agree on the potential impact of this missense change (SIFT: "Deleterious"; PolyPhen-2: "Probably Damaging"; Align-GVGD: "Class C0"). In summary, the available evidence is currently insufficient to determine the role of this variant in disease. Therefore, it has been classified as a Variant of Uncertain Significance. This missense change has been observed in individuals with hypertrophic cardiomyopathy (PMID: 28771489; Invitae). This variant is not present in population databases (gnomAD no frequency). This sequence change replaces leucine, which is neutral and non-polar, with methionine, which is neutral and non-polar, at codon 41 of the TNNC1 protein (p.Leu41Met).

Literature cited by the submitters: PubMed 28771489.